The following is an entry in ClinVar:

ClinVar aggregate classification (germline): Uncertain significance (1 of 4 stars; one submission).

Conditions:
Hereditary cancer-predisposing syndrome. Also called: Hereditary neoplastic syndrome; Neoplastic Syndromes, Hereditary; Tumor predisposition; Hereditary Cancer Syndrome. Identifiers: Orphanet 140162, MedGen C0027672, MeSH D009386, MONDO:0015356.

Submission:

Ambry Genetics
Classification: Uncertain significance for Hereditary cancer-predisposing syndrome. Last evaluated: 2025-08-27. Review status: criteria provided, single submitter. Criteria: Ambry Variant Classification Scheme 2023. Collection method: clinical testing. Allele origin: germline.
Comment: The p.K28T variant (also known as c.83A>C), located in coding exon 2 of the MUTYH gene, results from an A to C substitution at nucleotide position 83. The lysine at codon 28 is replaced by threonine, an amino acid with similar properties. This amino acid position is conserved. In addition, this alteration is predicted to be tolerated by in silico analysis. Based on the available evidence, the clinical significance of this variant remains unclear.

NM_001048174.2(MUTYH):c.41A>C (p.Lys14Thr)

Gene: MUTYH (mutY DNA glycosylase; minus strand). Cytogenetic location: 1p34.1.
Variant type: single nucleotide variant.
Coding change: c.41A>C on transcript NM_001048174.2 (MANE Select); coding-DNA position 41, A replaced by C.
Protein change: p.Lys14Thr; replaces lysine 14 with threonine.
Molecular consequence: missense variant. On other transcripts: 5 prime UTR variant (7), non-coding transcript variant (7).
Genome position (GRCh38, 1-based): chr1:45,334,465, T>G on the plus strand (A>C on the coding strand, the complement: MUTYH is on the minus strand). VCF-style: chr1-45334465-T-G. GRCh37 (hg19) VCF-style: chr1-45800137-T-G.
Other names: c.41A>C, p.Lys14Thr (NM_001048171.2, NM_001048172.2, NM_001048173.2 and 15 more transcripts); c.83A>C, p.Lys28Thr (NM_001128425.2, NM_001293190.2, NM_001407069.1 and 2 more transcripts); c.-172A>C (NM_001293192.2, NM_001293196.2, NM_001407091.1); c.-231A>C (NM_001350650.2); c.-167A>C (NM_001350651.2, NM_001407082.1); c.-116A>C (NM_001407075.1); c.59A>C, p.Lys20Thr (NM_001407087.1); short protein forms K20T, K28T, K14T.
Identifiers: ClinVar variation 4113861 (VCV004113861.1).